The following is an entry in ClinVar:

ClinVar aggregate classification (germline): Pathogenic (1 of 4 stars; one submission).

Submissions (2):

CeGaT Center for Human Genetics Tuebingen
Classification: Pathogenic. Last evaluated: 2018-07-01. Review status: criteria provided, single submitter. Criteria: CeGaT Center For Human Genetics Tuebingen Variant Classification Criteria Version 2. Collection method: clinical testing. Allele origin: germline. Affected: yes. Observed: 3 variant alleles.

Channelopathy-Associated Epilepsy Research Center
No classification provided (evidence only). Condition: Developmental and epileptic encephalopathy. Review status: no classification provided. Collection method: literature only. Allele origin: not applicable. Functional consequence: Absence of peak current, Overall loss-of-function. Not counted in ClinVar's aggregate classification.
ClinVar note: "not provided" was previously submitted as the classification for the variant. However, the classification appeared to be based only on an observation of functional data so it was converted to no classification on 2025-07-30.

Literature cited by the submitters: PubMed 28235671 (cited by Channelopathy-Associated Epilepsy Research Center).

NM_006922.4(SCN3A):c.740T>C (p.Leu247Pro)

Gene: SCN3A (sodium voltage-gated channel alpha subunit 3; minus strand). Cytogenetic location: 2q24.3.
Variant type: single nucleotide variant.
Coding change: c.740T>C on transcript NM_006922.4 (MANE Select); coding-DNA position 740, T replaced by C.
Protein change: p.Leu247Pro; replaces leucine 247 with proline.
Molecular consequence: missense variant.
Genome position (GRCh38, 1-based): chr2:165,162,783, A>G on the plus strand (T>C on the coding strand, the complement: SCN3A is on the minus strand). VCF-style: chr2-165162783-A-G. GRCh37 (hg19) VCF-style: chr2-166019293-A-G.
Other names: c.740T>C, p.Leu247Pro (NM_001081676.2, NM_001081677.2); short protein forms L247P.
Identifiers: ClinVar variation 872398 (VCV000872398.42), dbSNP rs1689488709, ClinGen allele CA349239353.